The following is an entry in ClinVar:

NM_000051.4(ATM):c.*44A>G

Genes: ATM (ATM serine/threonine kinase; plus strand), C11orf65 (chromosome 11 open reading frame 65; minus strand). Cytogenetic location: 11q22.3.
Variant type: single nucleotide variant.
Coding change: c.*44A>G on transcript NM_000051.4 (MANE Select); 44 bases downstream of the stop codon, A replaced by G.
Molecular consequence: 3 prime UTR variant. On other transcripts: intron variant (2).
Genome position (GRCh38, 1-based): chr11:108,365,552, A>G. VCF-style: chr11-108365552-A-G. GRCh37 (hg19) VCF-style: chr11-108236279-A-G.
Other names: c.*44A>G (NM_001351834.2); c.640+20368T>C (NM_001330368.2); c.694+20368T>C (NM_001351110.2).
Identifiers: ClinVar variation 302256 (VCV000302256.15), dbSNP rs55900855, ClinGen allele CA6266531.

ClinVar aggregate classification (germline): Benign/Likely benign. Review status: criteria provided, multiple submitters, no conflicts (2 of 4 stars). 6 submissions from 6 submitters: Benign (3); Likely benign (3). Last evaluated 2026-07-01.

Conditions:
Ataxia-telangiectasia syndrome (AT). Also called: Ataxia telangiectasia (A-T); Cerebello-oculocutaneous telangiectasia; Immunodeficiency with ataxia telangiectasia; LOUIS-BAR SYNDROME; AT, COMPLEMENTATION GROUP C; ATAXIA-TELANGIECTASIA, FRESNO VARIANT. Identifiers: Orphanet 100, MedGen C0004135, MONDO:0008840, OMIM 208900.
Hereditary breast ovarian cancer syndrome. Also called: BRCA1- and BRCA2-Associated Hereditary Breast and Ovarian Cancer; Hereditary breast and/or ovarian cancer syndrome; Hereditary breast and ovarian cancer syndrome (HBOC); Hereditary breast and ovarian cancer syndrome; Hereditary breast and ovarian cancer; Breast and ovarian cancer. Identifiers: Orphanet 145, MedGen C0677776, MeSH D061325, MONDO:0003582. Disease mechanism: loss of function.

Allele frequency attached by ClinVar (database versions not stated): 1000 Genomes Project 30x 0.00297; gnomAD 0.00643 and 0.00590; 1000 Genomes Project 0.00280; ESP Exome Variant Server 0.00600; TOPMed 0.00714; gnomAD exomes 0.00113 and 0.00247; ExAC 0.00286.
gnomAD v4.1: 2,591 of 1,590,728 alleles (0.16%); highest among the groups gnomAD compares: African/African-American, 1.8%; 16 homozygotes.

Submissions (6):

CeGaT Center for Human Genetics Tuebingen
Classification: Benign. Last evaluated: 2026-07-01. Review status: criteria provided, single submitter. Criteria: CeGaT Center For Human Genetics Tuebingen Variant Classification Criteria Version 2. Collection method: clinical testing. Allele origin: germline. Affected: yes. Observed: 1 variant allele.
Comment: ATM: BS1, BS2

Center for Genomic Medicine, Rigshospitalet, Copenhagen University Hospital
Classification: Benign. Last evaluated: 2025-03-04. Review status: criteria provided, single submitter. Criteria: ACMG Guidelines, 2015. Collection method: clinical testing. Allele origin: germline.

National Health Laboratory Service, Universitas Academic Hospital and University of the Free State
Classification: Benign for Hereditary breast ovarian cancer syndrome. Last evaluated: 2022-04-19. Review status: criteria provided, single submitter. Criteria: ACMG Guidelines, 2015. Collection method: clinical testing. Allele origin: germline. Affected: yes. Observed: 6 variant alleles.

GeneDx
Classification: Likely benign. Last evaluated: 2018-06-21. Review status: criteria provided, single submitter. Criteria: GeneDx Variant Classification Process June 2021. Collection method: clinical testing. Allele origin: germline. Affected: yes.

Illumina Laboratory Services, Illumina
Classification: Likely benign for Ataxia-telangiectasia syndrome. Last evaluated: 2018-01-13. Review status: criteria provided, single submitter. Criteria: ICSL Variant Classification Criteria 13 December 2019. Collection method: clinical testing. Allele origin: germline.
Comment: This variant was observed in the ICSL laboratory as part of a predisposition screen in an ostensibly healthy population. It had not been previously curated by ICSL or reported in the Human Gene Mutation Database (HGMD: prior to June 1st, 2018), and was therefore a candidate for classification through an automated scoring system. Utilizing variant allele frequency, disease prevalence and penetrance estimates, and inheritance mode, an automated score was calculated to assess if this variant is too frequent to cause the disease. Based on the score and internal cut-off values, a variant classified as likely benign is not then subjected to further curation. The score for this variant resulted in a classification of likely benign for this disease.

Breakthrough Genomics
Classification: Likely benign. Review status: criteria provided, single submitter. Criteria: ACMG Guidelines, 2015. Collection method: not provided. Allele origin: germline. Inheritance: Autosomal recessive inheritance. Affected: yes.